The following is an entry in ClinVar:

NM_000455.5(STK11):c.1294C>T (p.Gln432Ter)

Gene: STK11 (serine/threonine kinase 11; plus strand). Cytogenetic location: 19p13.3.
Variant type: single nucleotide variant.
Coding change: c.1294C>T on transcript NM_000455.5 (MANE Select); coding-DNA position 1294, C replaced by T.
Protein change: p.Gln432Ter; replaces glutamine 432 with a stop codon.
Molecular consequence: nonsense.
Genome position (GRCh38, 1-based): chr19:1,226,639, C>T. VCF-style: chr19-1226639-C-T. GRCh37 (hg19) VCF-style: chr19-1226638-C-T.
Other names: short protein forms Q432*.
Identifiers: ClinVar variation 388557 (VCV000388557.17), dbSNP rs1057523149, ClinGen allele CA16608027.

ClinVar aggregate classification (germline): Uncertain significance. Review status: criteria provided, multiple submitters, no conflicts (2 of 4 stars). 5 submissions from 5 submitters: Uncertain significance (5). Last evaluated 2025-08-11.

Conditions:
Hereditary cancer-predisposing syndrome. Also called: Neoplastic Syndromes, Hereditary; Hereditary neoplastic syndrome; Tumor predisposition; Hereditary Cancer Syndrome. Identifiers: Orphanet 140162, MedGen C0027672, MeSH D009386, MONDO:0015356.
Peutz-Jeghers syndrome (PJS). Also called: POLYPOSIS, HAMARTOMATOUS INTESTINAL; POLYPS-AND-SPOTS SYNDROME; Peutz-Jeghers polyposis; Periorificial lentiginosis syndrome. Identifiers: Orphanet 2869, MedGen C0031269, MeSH D010580, MONDO:0008280, OMIM 175200.

Submissions (5):

Ambry Genetics
Classification: Uncertain significance for Hereditary cancer-predisposing syndrome. Last evaluated: 2025-08-11. Review status: criteria provided, single submitter. Criteria: Ambry Variant Classification Scheme 2023. Collection method: clinical testing. Allele origin: germline.
Comment: The p.Q432* variant (also known as c.1294C>T), located in coding exon 9 of the STK11 gene, results from a C to T substitution at nucleotide position 1294. This changes the amino acid from a glutamine to a stop codon within coding exon 9. This alteration occurs at the 3' terminus of theSTK11 gene, is not expected to trigger nonsense-mediated mRNAdecay, and impacts the last 2 amino acids of the protein. The exact functional effect of this alteration is unknown. Based on the available evidence, the clinical significance of this variant remains unclear.

Department of Pathology and Laboratory Medicine, Sinai Health System
Classification: Uncertain significance for Peutz-Jeghers syndrome. Last evaluated: 2022-02-28. Review status: criteria provided, single submitter. Criteria: ACMG Guidelines, 2015. Collection method: clinical testing. Allele origin: germline. Affected: yes.

Genome-Nilou Lab
Classification: Uncertain significance for Peutz-Jeghers syndrome. Last evaluated: 2021-07-15. Review status: criteria provided, single submitter. Criteria: ACMG Guidelines, 2015. Collection method: clinical testing. Allele origin: germline. Affected: no.

Labcorp Genetics (formerly Invitae), Labcorp
Classification: Uncertain significance for Peutz-Jeghers syndrome. Last evaluated: 2019-07-10. Review status: criteria provided, single submitter. Criteria: Invitae Variant Classification Sherloc (09022015). Collection method: clinical testing. Allele origin: germline.
Comment: This sequence change results in a premature translational stop signal in the STK11 gene (p.Gln432*). While this is not anticipated to result in nonsense mediated decay, it is expected to disrupt the last 2 amino acids of the STK11 protein. The frequency data for this variant in the population databases is considered unreliable, as metrics indicate insufficient coverage at this position in the ExAC database. This variant has not been reported in the literature in individuals with STK11-related conditions. ClinVar contains an entry for this variant (Variation ID: 388557). Experimental studies and prediction algorithms are not available for this variant, and the functional significance of the affected amino acid(s) is currently unknown. In summary, the available evidence is currently insufficient to determine the role of this variant in disease. Therefore, it has been classified as a Variant of Uncertain Significance.

GeneDx
Classification: Uncertain significance. Last evaluated: 2016-08-18. Review status: criteria provided, single submitter. Criteria: GeneDx Variant Classification (06012015). Collection method: clinical testing. Allele origin: germline. Affected: yes.
Comment: The Q432X variant in the STK11 gene has not been reported previously as a pathogenic variant, nor as a benign variant, to our knowledge. This variant is predicted to cause loss of normal protein function through protein truncation. The Q432X variant was not observed in approximately 5,100 individuals of European and African American ancestry in the NHLBI Exome Sequencing Project, though the average coverage at this position was low (<10X). We interpret Q432X as a variant of uncertain significance.